The following is an entry in ClinVar:

NM_004260.4(RECQL4):c.3394-8C>T

Gene: RECQL4 (RecQ like helicase 4; minus strand). Cytogenetic location: 8q24.3.
Variant type: single nucleotide variant.
Coding change: c.3394-8C>T on transcript NM_004260.4 (MANE Select); 8 bases into the intron before coding-DNA position 3394, C replaced by T.
Molecular consequence: intron variant.
Genome position (GRCh38, 1-based): chr8:144,511,797, G>A on the plus strand (C>T on the coding strand, the complement: RECQL4 is on the minus strand). VCF-style: chr8-144511797-G-A. GRCh37 (hg19) VCF-style: chr8-145737180-G-A.
Identifiers: ClinVar variation 1692766 (VCV001692766.1), dbSNP rs2130652353, ClinGen allele CA2573143043.

ClinVar aggregate classification (germline): Uncertain significance (1 of 4 stars; one submission).

Conditions:
Hereditary cancer-predisposing syndrome. Also called: Hereditary neoplastic syndrome; Tumor predisposition; Neoplastic Syndromes, Hereditary; Hereditary Cancer Syndrome. Identifiers: Orphanet 140162, MedGen C0027672, MeSH D009386, MONDO:0015356.

Allele frequency attached by ClinVar (database versions not stated): gnomAD exomes below 0.00001.

Submission:

Sema4
Classification: Uncertain significance for Hereditary cancer-predisposing syndrome. Last evaluated: 2021-11-18. Review status: criteria provided, single submitter. Criteria: Sema4 Curation Guidelines. Collection method: curation. Allele origin: germline.
Comment: The RECQL4 c.3394-8C>T variant has not been reported in the literature to our knowledge. It was not observed in the large and broad cohorts of the Genome Aggregation Database. The variant has not been reported in ClinVar. In silico tools suggest that the variant may not have an impact on splicing, though these predictions have not been confirmed by functional studies. The evidence is insufficient to meet ACMG/AMP criteria for classifying the variant as benign or pathogenic. Thus, the clinical significance of this variant is currently uncertain.